The following is an entry in ClinVar:

NM_001145809.2(MYH14):c.3883C>T (p.Arg1295Trp)

Gene: MYH14 (myosin heavy chain 14; plus strand). Cytogenetic location: 19q13.33.
Variant type: single nucleotide variant.
Coding change: c.3883C>T on transcript NM_001145809.2 (MANE Select); coding-DNA position 3883, C replaced by T.
Protein change: p.Arg1295Trp; replaces arginine 1295 with tryptophan.
Molecular consequence: missense variant.
Genome position (GRCh38, 1-based): chr19:50,278,140, C>T. VCF-style: chr19-50278140-C-T. GRCh37 (hg19) VCF-style: chr19-50781397-C-T.
Other names: c.3784C>T, p.Arg1262Trp (NM_001077186.2); c.3760C>T, p.Arg1254Trp (NM_024729.4); short protein forms R1254W, R1262W, R1295W.
Identifiers: ClinVar variation 893947 (VCV000893947.24), dbSNP rs372367091, ClinGen allele CA9593361.

ClinVar aggregate classification (germline): Uncertain significance. Review status: criteria provided, multiple submitters, no conflicts (2 of 4 stars). 4 submissions from 4 submitters: Uncertain significance (4). Last evaluated 2025-08-23.

Conditions:
Inborn genetic diseases. Identifiers: MedGen C0950123, MeSH D030342.
Autosomal dominant nonsyndromic hearing loss 4A. Also called: Deafness, autosomal dominant 4A. Identifiers: Orphanet 90635, MedGen C1833503, MONDO:0010915, OMIM 600652.

Allele frequency attached by ClinVar (database versions not stated): ExAC 0.00003; TOPMed 0.00004; gnomAD exomes 0.00005 and 0.00006; gnomAD 0.00007; ESP Exome Variant Server 0.00008.
gnomAD v4.1: 104 of 1,604,514 alleles (0.0065%); highest among the groups gnomAD compares: South Asian, 0.024%; 1 homozygote.

Submissions (4):

Ambry Genetics
Classification: Uncertain significance for Inborn genetic diseases. Last evaluated: 2025-08-23. Review status: criteria provided, single submitter. Criteria: Ambry Variant Classification Scheme 2023. Collection method: clinical testing. Allele origin: germline.

CeGaT Center for Human Genetics Tuebingen
Classification: Uncertain significance. Last evaluated: 2024-10-01. Review status: criteria provided, single submitter. Criteria: CeGaT Center For Human Genetics Tuebingen Variant Classification Criteria Version 2. Collection method: clinical testing. Allele origin: germline. Affected: yes. Observed: 1 variant allele.

Labcorp Genetics (formerly Invitae), Labcorp
Classification: Uncertain significance. Last evaluated: 2023-10-20. Review status: criteria provided, single submitter. Criteria: Invitae Variant Classification Sherloc (09022015). Collection method: clinical testing. Allele origin: germline.
Comment: This sequence change replaces arginine, which is basic and polar, with tryptophan, which is neutral and slightly polar, at codon 1254 of the MYH14 protein (p.Arg1254Trp). This variant is present in population databases (rs372367091, gnomAD 0.03%). This variant has not been reported in the literature in individuals affected with MYH14-related conditions. ClinVar contains an entry for this variant (Variation ID: 893947). Advanced modeling of protein sequence and biophysical properties (such as structural, functional, and spatial information, amino acid conservation, physicochemical variation, residue mobility, and thermodynamic stability) performed at Invitae indicates that this missense variant is not expected to disrupt MYH14 protein function. In summary, the available evidence is currently insufficient to determine the role of this variant in disease. Therefore, it has been classified as a Variant of Uncertain Significance.

Illumina Laboratory Services, Illumina
Classification: Uncertain significance for Autosomal dominant nonsyndromic hearing loss 4A. Last evaluated: 2018-01-12. Review status: criteria provided, single submitter. Criteria: ICSL Variant Classification Criteria 13 December 2019. Collection method: clinical testing. Allele origin: germline.